The following is an entry in ClinVar:

ClinVar aggregate classification (germline): Likely benign. Review status: criteria provided, single submitter (1 of 4 stars). 2 submissions from 2 submitters: Likely benign (1). 1 of the submissions does not count toward it. Last evaluated 2022-11-02.

Conditions:
Hereditary cancer-predisposing syndrome. Also called: Hereditary Cancer Syndrome; Hereditary neoplastic syndrome; Tumor predisposition; Neoplastic Syndromes, Hereditary. Identifiers: Orphanet 140162, MedGen C0027672, MeSH D009386, MONDO:0015356.
Familial cancer of breast. Also called: BREAST CANCER, FAMILIAL; hereditary breast carcinoma; Hereditary breast cancer. Identifiers: Orphanet 227535, MedGen C0346153, MONDO:0016419, OMIM 114480. Disease mechanism: loss of function.

Submissions (2):

Ambry Genetics
Classification: Likely benign for Hereditary cancer-predisposing syndrome. Last evaluated: 2022-11-02. Review status: criteria provided, single submitter. Criteria: Ambry Variant Classification Scheme 2023. Collection method: clinical testing. Allele origin: germline.

Leiden Open Variation Database
Classification: Benign for Familial cancer of breast. Last evaluated: 2019-05-13. Review status: no assertion criteria provided. Collection method: curation. Allele origin: germline. Affected: yes. Not counted in ClinVar's aggregate classification.
Comment: Curators: Marc Tischkowitz, Arleen D. Auerbach. Submitter to LOVD: Marc Tischkowitz.

Literature cited by the submitters: PubMed 21113654 (cited by Leiden Open Variation Database).

NM_024675.4(PALB2):c.1461C>T (p.Val487=)

Gene: PALB2 (partner and localizer of BRCA2; minus strand). Cytogenetic location: 16p12.2.
Variant type: single nucleotide variant.
Coding change: c.1461C>T on transcript NM_024675.4 (MANE Select); coding-DNA position 1461, C replaced by T.
Protein change: p.Val487=; no amino-acid change (valine 487 retained).
Molecular consequence: synonymous variant.
Genome position (GRCh38, 1-based): chr16:23,635,085, G>A on the plus strand (C>T on the coding strand, the complement: PALB2 is on the minus strand). VCF-style: chr16-23635085-G-A. GRCh37 (hg19) VCF-style: chr16-23646406-G-A.
Identifiers: ClinVar variation 126603 (VCV000126603.5), dbSNP rs515726069, ClinGen allele CA269495.